The following is an entry in ClinVar:

ClinVar aggregate classification (germline): Uncertain significance (1 of 4 stars; one submission).

Submission:

Quest Diagnostics Nichols Institute San Juan Capistrano
Classification: Uncertain significance. Last evaluated: 2025-09-19. Review status: criteria provided, single submitter. Criteria: Quest Diagnostics criteria. Collection method: clinical testing. Allele origin: unknown.
Comment: The APOB c.13355T>A (p.Leu4452His) variant has not been reported in individuals with APOB-related conditions in the published literature. The frequency of this variant in the general population (Genome Aggregation Database) is uninformative in the assessment of its pathogenicity. Analysis of this variant using bioinformatics tools for the prediction of the effect of amino acid changes on protein structure and function yielded conflicting predictions that this variant is benign or damaging. Based on the available information, we are unable to determine the clinical significance of this variant.

NM_000384.3(APOB):c.13355T>A (p.Leu4452His)

Gene: APOB (apolipoprotein B; minus strand). Cytogenetic location: 2p24.1.
Variant type: single nucleotide variant.
Coding change: c.13355T>A on transcript NM_000384.3 (MANE Select); coding-DNA position 13355, T replaced by A.
Protein change: p.Leu4452His; replaces leucine 4452 with histidine.
Molecular consequence: missense variant.
Genome position (GRCh38, 1-based): chr2:21,002,067, A>T on the plus strand (T>A on the coding strand, the complement: APOB is on the minus strand). VCF-style: chr2-21002067-A-T. GRCh37 (hg19) VCF-style: chr2-21224939-A-T.
Other names: short protein forms L4452H.
Identifiers: ClinVar variation 4532933 (VCV004532933.1).